The following is an entry in ClinVar:

NM_001042492.3(NF1):c.4693dup (p.Thr1565fs)

Gene: NF1 (neurofibromin 1; plus strand). Cytogenetic location: 17q11.2.
Variant type: Duplication.
Coding change: c.4693dup on transcript NM_001042492.3 (MANE Select); coding-DNA position 4693, one base duplicated (A; older notation c.4693dupA).
Protein change: p.Thr1565fs; shifts the reading frame from threonine 1565.
Molecular consequence: frameshift variant.
Genome position (GRCh38, 1-based): chr17:31,261,826, A duplicated. VCF-style (leftmost placement, unchanged base first): chr17-31261825-T-TA. GRCh37 (hg19) VCF-style: chr17-29588843-T-TA.
Other names: c.4630dup, p.Thr1544Asnfs (NM_000267.4); c.4630dupA (NM_000267.3); short protein forms T1544fs, T1565fs.
Identifiers: ClinVar variation 2083103 (VCV002083103.5), dbSNP rs2508430596, ClinGen allele CA2580093310.

ClinVar aggregate classification (germline): Pathogenic. Review status: criteria provided, multiple submitters, no conflicts (2 of 4 stars). 2 submissions from 2 submitters: Pathogenic (2). Last evaluated 2024-03-08.

Conditions:
Neurofibromatosis, type 1 (NF1). Also called: Neurofibromatosis, type I; VON RECKLINGHAUSEN DISEASE; NEUROFIBROMATOSIS, TYPE I, SOMATIC; Peripheral type neurofibromatosis. Identifiers: Orphanet 636, MedGen C0027831, MONDO:0018975, OMIM 162200. Disease mechanism: loss of function.
Cardiovascular phenotype. Identifiers: MedGen CN230736.
Hereditary cancer-predisposing syndrome. Also called: Hereditary Cancer Syndrome; Hereditary neoplastic syndrome; Neoplastic Syndromes, Hereditary; Tumor predisposition. Identifiers: Orphanet 140162, MedGen C0027672, MeSH D009386, MONDO:0015356.

Submissions (2):

Ambry Genetics
Classification: Pathogenic for Cardiovascular phenotype; Hereditary cancer-predisposing syndrome. Last evaluated: 2024-03-08. Review status: criteria provided, single submitter. Criteria: Ambry Variant Classification Scheme 2023. Collection method: clinical testing. Allele origin: germline.
Comment: The c.4630dupA (p.T1544Nfs*6) alteration, located in exon 34 (coding exon 34) of the NF1 gene, consists of a duplication of A at position 4630, causing a translational frameshift with a predicted alternate stop codon after 6 amino acids. This alteration is expected to result in loss of function by premature protein truncation or nonsense-mediated mRNA decay. This variant was not reported in population-based cohorts in the Genome Aggregation Database (gnomAD). Based on the available evidence, this alteration is classified as pathogenic.

Labcorp Genetics (formerly Invitae), Labcorp
Classification: Pathogenic for Neurofibromatosis, type 1. Last evaluated: 2022-01-15. Review status: criteria provided, single submitter. Criteria: Invitae Variant Classification Sherloc (09022015). Collection method: clinical testing. Allele origin: germline.
Comment: For these reasons, this variant has been classified as Pathogenic. This sequence change creates a premature translational stop signal (p.Thr1544Asnfs*6) in the NF1 gene. It is expected to result in an absent or disrupted protein product. Loss-of-function variants in NF1 are known to be pathogenic (PMID: 10712197, 23913538). This variant is not present in population databases (gnomAD no frequency). This variant has not been reported in the literature in individuals affected with NF1-related conditions.

Literature cited by the submitters: PubMed 10712197 (cited by Labcorp Genetics (formerly Invitae), Labcorp); PubMed 23913538 (cited by Labcorp Genetics (formerly Invitae), Labcorp).